The following is an entry in ClinVar:

ClinVar aggregate classification (germline): Likely benign. Review status: criteria provided, multiple submitters, no conflicts (2 of 4 stars). 2 submissions from 2 submitters: Likely benign (2). Last evaluated 2025-12-29.

Conditions:
Severe myoclonic epilepsy in infancy (DRVT). Also called: Dravet syndrome; Severe Myoclonic Epilepsy in Infancy (SMEI); SEVERE MYOCLONIC EPILEPSY OF INFANCY; Epileptic encephalopathy, early infantile, 6 (Dravet syndrome); DEVELOPMENTAL AND EPILEPTIC ENCEPHALOPATHY 6A. Identifiers: Orphanet 33069, MedGen C0751122, MONDO:0100135, OMIM 607208.

Allele frequency attached by ClinVar (database versions not stated): TOPMed below 0.00001; gnomAD 0.00001; gnomAD exomes 0.00001 and 0.00003.
gnomAD v4.1: 18 of 1,613,988 alleles (0.0011%); highest among the groups gnomAD compares: Admixed American, 0.01%; no homozygotes.

Submissions (2):

Labcorp Genetics (formerly Invitae), Labcorp
Classification: Likely benign for Severe myoclonic epilepsy in infancy. Last evaluated: 2025-12-29. Review status: criteria provided, single submitter. Criteria: Invitae Variant Classification Sherloc (09022015). Collection method: clinical testing. Allele origin: germline.

CeGaT Center for Human Genetics Tuebingen
Classification: Likely benign. Last evaluated: 2025-12-01. Review status: criteria provided, single submitter. Criteria: CeGaT Center For Human Genetics Tuebingen Variant Classification Criteria Version 2. Collection method: clinical testing. Allele origin: germline. Affected: yes. Observed: 1 variant allele.
Comment: SNX27: BP4, BP7

NM_001330723.2(SNX27):c.336G>A (p.Ala112=)

Gene: SNX27 (sorting nexin 27; plus strand). Cytogenetic location: 1q21.3.
Variant type: single nucleotide variant.
Coding change: c.336G>A on transcript NM_001330723.2 (MANE Select); coding-DNA position 336, G replaced by A.
Protein change: p.Ala112=; no amino-acid change (alanine 112 retained).
Molecular consequence: synonymous variant.
Genome position (GRCh38, 1-based): chr1:151,638,912, G>A. VCF-style: chr1-151638912-G-A. GRCh37 (hg19) VCF-style: chr1-151611388-G-A.
Other names: c.336G>A, p.Ala112= (NM_030918.6).
Identifiers: ClinVar variation 1610620 (VCV001610620.12), dbSNP rs567918235, ClinGen allele CA30511712.